The following is an entry in ClinVar:

ClinVar aggregate classification (germline): Uncertain significance (1 of 4 stars; one submission).

Allele frequency attached by ClinVar (database versions not stated): ExAC 0.00001; gnomAD exomes 0.00001.
gnomAD v4.1: 4 of 1,613,734 alleles (0.00025%); highest among the groups gnomAD compares: Admixed American, 0.005%; no homozygotes.

Submission:

Labcorp Genetics (formerly Invitae), Labcorp
Classification: Uncertain significance. Last evaluated: 2022-10-18. Review status: criteria provided, single submitter. Criteria: Invitae Variant Classification Sherloc (09022015). Collection method: clinical testing. Allele origin: germline.
Comment: In summary, the available evidence is currently insufficient to determine the role of this variant in disease. Therefore, it has been classified as a Variant of Uncertain Significance. Algorithms developed to predict the effect of missense changes on protein structure and function are either unavailable or do not agree on the potential impact of this missense change (SIFT: "Not Available"; PolyPhen-2: "Possibly Damaging"; Align-GVGD: "Not Available"). ClinVar contains an entry for this variant (Variation ID: 1465913). This variant has not been reported in the literature in individuals affected with MYO18B-related conditions. This variant is present in population databases (rs775339699, gnomAD 0.006%). This sequence change replaces serine with phenylalanine at codon 2015 of the MYO18B protein (p.Ser2015Phe). The serine residue is weakly conserved and there is a large physicochemical difference between serine and phenylalanine.

NM_032608.7(MYO18B):c.6044C>T (p.Ser2015Phe)

Gene: MYO18B (myosin XVIIIB; plus strand). Cytogenetic location: 22q12.1.
Variant type: single nucleotide variant.
Coding change: c.6044C>T on transcript NM_032608.7 (MANE Select); coding-DNA position 6044, C replaced by T.
Protein change: p.Ser2015Phe; replaces serine 2015 with phenylalanine.
Molecular consequence: missense variant.
Genome position (GRCh38, 1-based): chr22:25,955,252, C>T. VCF-style: chr22-25955252-C-T. GRCh37 (hg19) VCF-style: chr22-26351218-C-T.
Other names: c.6047C>T, p.Ser2016Phe (NM_001318245.2); short protein forms S2016F, S2015F.
Identifiers: ClinVar variation 1465913 (VCV001465913.6), dbSNP rs775339699, ClinGen allele CA10161383.